The following is an entry in ClinVar:

NM_001378454.1(ALMS1):c.5417A>G (p.Tyr1806Cys)

Gene: ALMS1 (ALMS1 centrosome and basal body associated protein; plus strand). Cytogenetic location: 2p13.1.
Variant type: single nucleotide variant.
Coding change: c.5417A>G on transcript NM_001378454.1 (MANE Select); coding-DNA position 5417, A replaced by G.
Protein change: p.Tyr1806Cys; replaces tyrosine 1806 with cysteine.
Molecular consequence: missense variant.
Genome position (GRCh38, 1-based): chr2:73,451,944, A>G. VCF-style: chr2-73451944-A-G. GRCh37 (hg19) VCF-style: chr2-73679071-A-G.
Other names: c.5420A>G, p.Tyr1807Cys (NM_015120.4); short protein forms Y1807C, Y1806C.
Identifiers: ClinVar variation 550501 (VCV000550501.7), dbSNP rs374046216, ClinGen allele CA1713877.

ClinVar aggregate classification (germline): Conflicting classifications of pathogenicity. Review status: criteria provided, conflicting classifications (1 of 4 stars). 4 submissions from 4 submitters: Uncertain significance (1); Likely benign (1). 2 of the submissions do not count toward it. Last evaluated 2023-11-27.

Conditions:
Cardiovascular phenotype. Identifiers: MedGen CN230736.
Alstrom syndrome (ALMS). Identifiers: Orphanet 64, MedGen C0268425, MONDO:0008763, OMIM 203800.
ALMS1-related disorder. Also called: ALMS1-related condition.

Allele frequency attached by ClinVar (database versions not stated): TOPMed 0.00002; 1000 Genomes Project 30x 0.00016; 1000 Genomes Project 0.00020.
gnomAD v4.1: 22 of 1,613,940 alleles (0.0014%); highest among the groups gnomAD compares: East Asian, 0.0067%; no homozygotes.

Submissions (4):

Ambry Genetics
Classification: Likely benign for Cardiovascular phenotype. Last evaluated: 2023-11-27. Review status: criteria provided, single submitter. Criteria: Ambry Variant Classification Scheme 2023. Collection method: clinical testing. Allele origin: germline.

Labcorp Genetics (formerly Invitae), Labcorp
Classification: Uncertain significance for Alstrom syndrome. Last evaluated: 2022-02-01. Review status: criteria provided, single submitter. Criteria: Invitae Variant Classification Sherloc (09022015). Collection method: clinical testing. Allele origin: germline.
Comment: This sequence change replaces tyrosine, which is neutral and polar, with cysteine, which is neutral and slightly polar, at codon 1807 of the ALMS1 protein (p.Tyr1807Cys). This variant is present in population databases (rs374046216, gnomAD 0.02%). This variant has not been reported in the literature in individuals affected with ALMS1-related conditions. ClinVar contains an entry for this variant (Variation ID: 550501). Experimental studies and prediction algorithms are not available or were not evaluated, and the functional significance of this variant is currently unknown. In summary, the available evidence is currently insufficient to determine the role of this variant in disease. Therefore, it has been classified as a Variant of Uncertain Significance.

PreventionGenetics, part of Exact Sciences
Classification: Uncertain significance for ALMS1-related condition. Last evaluated: 2024-02-15. Review status: no assertion criteria provided. Collection method: clinical testing. Allele origin: germline. Not counted in ClinVar's aggregate classification.
Comment: The ALMS1 c.5420A>G variant is predicted to result in the amino acid substitution p.His1807Arg. To our knowledge, this variant has not been reported in the literature or in a large population database, indicating this variant is rare. At this time, the clinical significance of this variant is uncertain due to the absence of conclusive functional and genetic evidence.

Counsyl
Classification: Uncertain significance for Alstrom syndrome. Last evaluated: 2017-01-30. Review status: no assertion criteria provided. Collection method: clinical testing. Allele origin: unknown. Not counted in ClinVar's aggregate classification.